The following is an entry in ClinVar:

NM_031942.5(CDCA7):c.167A>T (p.Asp56Val)

Gene: CDCA7 (cell division cycle associated 7; plus strand). Cytogenetic location: 2q31.1.
Variant type: single nucleotide variant.
Coding change: c.167A>T on transcript NM_031942.5 (MANE Select); coding-DNA position 167, A replaced by T.
Protein change: p.Asp56Val; replaces aspartic acid 56 with valine.
Molecular consequence: missense variant. On other transcripts: intron variant (1).
Genome position (GRCh38, 1-based): chr2:173,359,274, A>T. VCF-style: chr2-173359274-A-T. GRCh37 (hg19) VCF-style: chr2-174224002-A-T.
Other names: c.147+437A>T (NM_145810.3); short protein forms D56V.
Identifiers: ClinVar variation 1387317 (VCV001387317.6), dbSNP rs1362655165, ClinGen allele CA349320870.

ClinVar aggregate classification (germline): Uncertain significance (1 of 4 stars; one submission).

gnomAD v4.1: 4 of 1,613,816 alleles (0.00025%); no homozygotes.

Submission:

Labcorp Genetics (formerly Invitae), Labcorp
Classification: Uncertain significance. Last evaluated: 2021-10-15. Review status: criteria provided, single submitter. Criteria: Invitae Variant Classification Sherloc (09022015). Collection method: clinical testing. Allele origin: germline.
Comment: In summary, the available evidence is currently insufficient to determine the role of this variant in disease. Therefore, it has been classified as a Variant of Uncertain Significance. Algorithms developed to predict the effect of missense changes on protein structure and function are either unavailable or do not agree on the potential impact of this missense change (SIFT: "Deleterious"; PolyPhen-2: "Probably Damaging"; Align-GVGD: "Class C0"). This variant has not been reported in the literature in individuals affected with CDCA7-related conditions. This variant is not present in population databases (ExAC no frequency). This sequence change replaces aspartic acid with valine at codon 56 of the CDCA7 protein (p.Asp56Val). The aspartic acid residue is weakly conserved and there is a large physicochemical difference between aspartic acid and valine.